The following is an entry in ClinVar:

NM_005631.5(SMO):c.430C>T (p.Arg144Cys)

Gene: SMO (smoothened, frizzled class receptor; plus strand). Cytogenetic location: 7q32.1.
Variant type: single nucleotide variant.
Coding change: c.430C>T on transcript NM_005631.5 (MANE Select); coding-DNA position 430, C replaced by T.
Protein change: p.Arg144Cys; replaces arginine 144 with cysteine.
Molecular consequence: missense variant.
Genome position (GRCh38, 1-based): chr7:129,203,482, C>T. VCF-style: chr7-129203482-C-T. GRCh37 (hg19) VCF-style: chr7-128843323-C-T.
Other names: short protein forms R144C.
Identifiers: ClinVar variation 2629014 (VCV002629014.2), dbSNP rs1793704781, ClinGen allele CA369240577.

ClinVar aggregate classification (germline): Uncertain significance (1 of 4 stars; one submission).

Conditions:
SMO-related disorder. Also called: SMO-related condition.

Allele frequency attached by ClinVar (database versions not stated): gnomAD exomes below 0.00001; TOPMed below 0.00001.
gnomAD v4.1: 3 of 1,597,410 alleles (0.00019%); highest among the groups gnomAD compares: South Asian, 0.0023%; no homozygotes.

Submission:

PreventionGenetics, part of Exact Sciences
Classification: Uncertain significance for SMO-related condition. Last evaluated: 2025-10-31. Review status: criteria provided, single submitter. Criteria: ACMG Guidelines, 2015. Collection method: clinical testing. Allele origin: germline.
Comment: The SMO c.430C>T variant is predicted to result in the amino acid substitution p.Arg144Cys. To our knowledge, this variant has not been reported in the literature or in a large population database (gnomAD), indicating this variant is rare. An alternate missense substitution affecting the same amino acid (p.Arg144His) has been reported in an individual with transposition of the great arteries (Blue et al. 2022. PubMed ID: 34670123). There has been a single missense variant (p.Leu412Phe) that has been documented as recurrently arising de novo in individuals with Curry-Jones syndrome (Twigg et al. 2016. PubMed ID: 27236920). However, other than this one variant, de novo variants in SMO are not yet a well-established mechanism of disease. Although we suspect the c.430C>T (p.Arg144Cys) variant may be pathogenic, at this time, the clinical significance of this variant is uncertain due to the absence of conclusive functional and genetic evidence.